The following is an entry in ClinVar:

NM_000051.4(ATM):c.548A>G (p.His183Arg)

Gene: ATM (ATM serine/threonine kinase; plus strand). Cytogenetic location: 11q22.3.
Variant type: single nucleotide variant.
Coding change: c.548A>G on transcript NM_000051.4 (MANE Select); coding-DNA position 548, A replaced by G.
Protein change: p.His183Arg; replaces histidine 183 with arginine.
Molecular consequence: missense variant.
Genome position (GRCh38, 1-based): chr11:108,244,004, A>G. VCF-style: chr11-108244004-A-G. GRCh37 (hg19) VCF-style: chr11-108114731-A-G.
Other names: c.548A>G, p.His183Arg (NM_001351834.2); short protein forms H183R.
Identifiers: ClinVar variation 957450 (VCV000957450.11), dbSNP rs786204219, ClinGen allele CA382527688.

ClinVar aggregate classification (germline): Uncertain significance. Review status: criteria provided, multiple submitters, no conflicts (2 of 4 stars). 3 submissions from 3 submitters: Uncertain significance (3). Last evaluated 2025-08-04.

Conditions:
Ataxia-telangiectasia syndrome (AT). Also called: AT, COMPLEMENTATION GROUP C; Ataxia telangiectasia (A-T); Cerebello-oculocutaneous telangiectasia; Immunodeficiency with ataxia telangiectasia; LOUIS-BAR SYNDROME; Ataxia-telangiectasia. Identifiers: Orphanet 100, MedGen C0004135, MONDO:0008840, OMIM 208900.
Hereditary cancer-predisposing syndrome. Also called: Hereditary neoplastic syndrome; Tumor predisposition; Neoplastic Syndromes, Hereditary; Hereditary Cancer Syndrome. Identifiers: Orphanet 140162, MedGen C0027672, MeSH D009386, MONDO:0015356.

Submissions (3):

Ambry Genetics
Classification: Uncertain significance for Hereditary cancer-predisposing syndrome. Last evaluated: 2025-08-04. Review status: criteria provided, single submitter. Criteria: Ambry Variant Classification Scheme 2023. Collection method: clinical testing. Allele origin: germline.
Comment: The p.H183R variant (also known as c.548A>G), located in coding exon 5 of the ATM gene, results from an A to G substitution at nucleotide position 548. The histidine at codon 183 is replaced by arginine, an amino acid with highly similar properties. This amino acid position is conserved. In addition, this alteration is predicted to be tolerated by in silico analysis. Based on the available evidence, the clinical significance of this variant remains unclear.

GeneDx
Classification: Uncertain significance. Last evaluated: 2025-03-20. Review status: criteria provided, single submitter. Criteria: GeneDx Variant Classification Process June 2021. Collection method: clinical testing. Allele origin: germline. Affected: yes.
Comment: Not observed at significant frequency in large population cohorts (gnomAD); In silico analysis indicates that this missense variant does not alter protein structure/function; Has not been previously published as pathogenic or benign to our knowledge

Labcorp Genetics (formerly Invitae), Labcorp
Classification: Uncertain significance for Ataxia-telangiectasia syndrome. Last evaluated: 2022-07-22. Review status: criteria provided, single submitter. Criteria: Invitae Variant Classification Sherloc (09022015). Collection method: clinical testing. Allele origin: germline.
Comment: This sequence change replaces histidine, which is basic and polar, with arginine, which is basic and polar, at codon 183 of the ATM protein (p.His183Arg). This variant is not present in population databases (gnomAD no frequency). This variant has not been reported in the literature in individuals affected with ATM-related conditions. ClinVar contains an entry for this variant (Variation ID: 957450). Advanced modeling of protein sequence and biophysical properties (such as structural, functional, and spatial information, amino acid conservation, physicochemical variation, residue mobility, and thermodynamic stability) performed at Invitae indicates that this missense variant is not expected to disrupt ATM protein function. In summary, the available evidence is currently insufficient to determine the role of this variant in disease. Therefore, it has been classified as a Variant of Uncertain Significance.